The following is an entry in ClinVar:

NM_032551.5(KISS1R):c.668G>A (p.Cys223Tyr)

Gene: KISS1R (KISS1 receptor; plus strand). Cytogenetic location: 19p13.3.
Variant type: single nucleotide variant.
Coding change: c.668G>A on transcript NM_032551.5 (MANE Select); coding-DNA position 668, G replaced by A.
Protein change: p.Cys223Tyr; replaces cysteine 223 with tyrosine.
Molecular consequence: missense variant.
Genome position (GRCh38, 1-based): chr19:920,036, G>A. VCF-style: chr19-920036-G-A. GRCh37 (hg19) VCF-style: chr19-920036-G-A.
Other names: short protein forms C223Y.
Identifiers: ClinVar variation 3612422 (VCV003612422.2).
Genomic context (GRCh38, chr19:920,036, plus strand): 5'-CCTTCGCACTGTACAACCTGCTGGCGCTGTACCTGCTGCCGCTGCTCGCCACCTGCGCCT[G>A]CTATGCGGCCATGCTGCGCCACCTGGGCCGGGTCGCCGTGCGCCCCGCGCCCGCCGATAG-3'
Protein context (NP_115940.2, residues 213-233): YLLPLLATCA[Cys223Tyr]YAAMLRHLGR

ClinVar aggregate classification (germline): Uncertain significance (1 of 4 stars; one submission).

Submission:

Labcorp Genetics (formerly Invitae), Labcorp
Classification: Uncertain significance. Last evaluated: 2025-06-09. Review status: criteria provided, single submitter. Criteria: Invitae Variant Classification Sherloc (09022015). Collection method: clinical testing. Allele origin: germline.
Comment: This sequence change replaces cysteine, which is neutral and slightly polar, with tyrosine, which is neutral and polar, at codon 223 of the KISS1R protein (p.Cys223Tyr). The frequency data for this variant in the population databases is considered unreliable, as metrics indicate poor data quality at this position in the gnomAD database. This variant has not been reported in the literature in individuals affected with KISS1R-related conditions. ClinVar contains an entry for this variant (Variation ID: 3612422). Invitae Evidence Modeling of protein sequence and biophysical properties (such as structural, functional, and spatial information, amino acid conservation, physicochemical variation, residue mobility, and thermodynamic stability) has been performed for this missense variant. However, the output from this modeling did not meet the statistical confidence thresholds required to predict the impact of this variant on KISS1R protein function. In summary, the available evidence is currently insufficient to determine the role of this variant in disease. Therefore, it has been classified as a Variant of Uncertain Significance.